The following is an entry in ClinVar:

ClinVar aggregate classification (germline): Uncertain significance (1 of 4 stars; one submission).

gnomAD v4.1: 1 of 1,608,334 alleles (0.000062%); highest among the groups gnomAD compares: Non-Finnish European, 0.000085%; no homozygotes.

Submission:

GeneDx
Classification: Uncertain significance. Last evaluated: 2025-05-12. Review status: criteria provided, single submitter. Criteria: GeneDx Variant Classification Process June 2021. Collection method: clinical testing. Allele origin: germline. Affected: yes.
Comment: Not observed at significant frequency in large population cohorts (gnomAD); In silico analysis supports that this missense variant has a deleterious effect on protein structure/function; Has not been previously published as pathogenic or benign to our knowledge

NM_004218.4(RAB11B):c.280G>C (p.Ala94Pro)

Gene: RAB11B (RAB11B, member RAS oncogene family; plus strand). Cytogenetic location: 19p13.2.
Variant type: single nucleotide variant.
Coding change: c.280G>C on transcript NM_004218.4 (MANE Select); coding-DNA position 280, G replaced by C.
Protein change: p.Ala94Pro; replaces alanine 94 with proline.
Molecular consequence: missense variant.
Genome position (GRCh38, 1-based): chr19:8,402,129, G>C. VCF-style: chr19-8402129-G-C. GRCh37 (hg19) VCF-style: chr19-8467013-G-C.
Other names: short protein forms A94P.
Identifiers: ClinVar variation 4529880 (VCV004529880.1).
Genomic context (GRCh38, chr19:8,402,129, plus strand): 5'-GGCCCCTGACCCTGCAGGTACTACCGTGGTGCAGTGGGCGCCCTGCTGGTGTACGACATC[G>C]CCAAGCACCTGACCTATGAGAACGTGGAGCGCTGGCTGAAGGAGCTGCGGGACCACGCAG-3'
Protein context (NP_004209.2, residues 84-104): AVGALLVYDI[Ala94Pro]KHLTYENVER